The following is an entry in ClinVar:

NM_015259.6(ICOSLG):c.898+398G>A

Gene: ICOSLG (inducible T cell costimulator ligand; minus strand). Cytogenetic location: 21q22.3.
Variant type: single nucleotide variant.
Coding change: c.898+398G>A on transcript NM_015259.6 (MANE Select); 398 bases into the intron after coding-DNA position 898, G replaced by A.
Molecular consequence: intron variant.
Genome position (GRCh38, 1-based): chr21:44,229,656, C>T on the plus strand (G>A on the coding strand, the complement: ICOSLG is on the minus strand). VCF-style: chr21-44229656-C-T. GRCh37 (hg19) VCF-style: chr21-45649539-C-T.
Other names: c.547+398G>A (NM_001283051.2); c.643+398G>A (NM_001283052.2); c.898+398G>A (NM_001283050.2); c.899-110G>A (NM_001395918.1); c.817+398G>A (NM_001365759.2).
Identifiers: ClinVar variation 2652732 (VCV002652732.24), dbSNP rs138414153, ClinGen allele CA321495196.

ClinVar aggregate classification (germline): Likely benign (1 of 4 stars; one submission).

Allele frequency attached by ClinVar (database versions not stated): gnomAD 0.00005.

Submission:

CeGaT Center for Human Genetics Tuebingen
Classification: Likely benign. Last evaluated: 2022-11-01. Review status: criteria provided, single submitter. Criteria: CeGaT Center For Human Genetics Tuebingen Variant Classification Criteria Version 2. Collection method: clinical testing. Allele origin: germline. Affected: yes. Observed: 1 variant allele.
Comment: ICOSLG: BP4, BP7